The following is an entry in ClinVar:

ClinVar aggregate classification (germline): Uncertain significance (1 of 4 stars; one submission).

Conditions:
Inborn genetic diseases. Identifiers: MedGen C0950123, MeSH D030342.

Allele frequency attached by ClinVar (database versions not stated): gnomAD exomes below 0.00001; TOPMed below 0.00001.
gnomAD v4.1: 1 of 1,614,160 alleles (0.000062%); highest among the groups gnomAD compares: Non-Finnish European, 0.000085%; no homozygotes.

Submission:

Ambry Genetics
Classification: Uncertain significance for Inborn genetic diseases. Last evaluated: 2021-08-02. Review status: criteria provided, single submitter. Criteria: Ambry Variant Classification Scheme 2023. Collection method: clinical testing. Allele origin: germline.
Comment: The p.P9L variant (also known as c.26C>T), located in coding exon 1 of the SETX gene, results from a C to T substitution at nucleotide position 26. The proline at codon 9 is replaced by leucine, an amino acid with similar properties. This amino acid position is conserved. In addition, the in silico prediction for this alteration is inconclusive. Since supporting evidence is limited at this time, the clinical significance of this alteration remains unclear.

NM_015046.7(SETX):c.26C>T (p.Pro9Leu)

Gene: SETX (senataxin; minus strand). Cytogenetic location: 9q34.13.
Variant type: single nucleotide variant.
Coding change: c.26C>T on transcript NM_015046.7 (MANE Select); coding-DNA position 26, C replaced by T.
Protein change: p.Pro9Leu; replaces proline 9 with leucine.
Molecular consequence: missense variant.
Genome position (GRCh38, 1-based): chr9:132,349,403, G>A on the plus strand (C>T on the coding strand, the complement: SETX is on the minus strand). VCF-style: chr9-132349403-G-A. GRCh37 (hg19) VCF-style: chr9-135224790-G-A.
Other names: c.26C>T, p.Pro9Leu (NM_001351527.2, NM_001351528.2); short protein forms P9L.
Identifiers: ClinVar variation 1794903 (VCV001794903.2), dbSNP rs1350139497, ClinGen allele CA375352104.